The following is an entry in ClinVar:

NM_201384.3(PLEC):c.2975T>C (p.Ile992Thr)

Gene: PLEC (plectin; minus strand). Cytogenetic location: 8q24.3.
Variant type: single nucleotide variant.
Coding change: c.2975T>C on transcript NM_201384.3 (MANE Select); coding-DNA position 2975, T replaced by C.
Protein change: p.Ile992Thr; replaces isoleucine 992 with threonine.
Molecular consequence: missense variant.
Genome position (GRCh38, 1-based): chr8:143,929,520, A>G on the plus strand (T>C on the coding strand, the complement: PLEC is on the minus strand). VCF-style: chr8-143929520-A-G. GRCh37 (hg19) VCF-style: chr8-145003688-A-G.
Other names: c.3056T>C, p.Ile1019Thr (NM_000445.5); c.2933T>C, p.Ile978Thr (NM_201378.4); c.2909T>C, p.Ile970Thr (NM_201379.3); c.3386T>C, p.Ile1129Thr (NM_201380.4); c.2879T>C, p.Ile960Thr (NM_201381.3); c.2975T>C, p.Ile992Thr (NM_201382.4); c.2987T>C, p.Ile996Thr (NM_201383.3); short protein forms I1019T, I996T, I1129T, I960T, I978T, I992T, I970T.
Identifiers: ClinVar variation 1484522 (VCV001484522.6), dbSNP rs1554711165, ClinGen allele CA372570027.
Genomic context (GRCh38, chr8:143,929,520, plus strand): 5'-TCCAGCGGCAGCCGCAGGCGGTGCACGGTGCGCGTCTCACAGGCCTCCAGCTGCAGCCGG[A>G]TGTCTTTGAGCTCGGAGATGCAGCGCTGGCAGCGAGACTCTTCCTGTGCACCTGGGGAAC-3'
Protein context (NP_958786.1, residues 982-1002): CQRCISELKD[Ile992Thr]RLQLEACETR

ClinVar aggregate classification (germline): Uncertain significance (1 of 4 stars; one submission).

Conditions:
Epidermolysis bullosa simplex 5B, with muscular dystrophy (EBS5B). Also called: EPIDERMOLYSIS BULLOSA SIMPLEX AND LIMB-GIRDLE MUSCULAR DYSTROPHY; Epidermolysis bullosa simplex with muscular dystrophy. Identifiers: Orphanet 257, MedGen C2931072, MONDO:0009181, OMIM 226670.
Epidermolysis bullosa simplex 5C, with pyloric atresia (EBS5C). Also called: PLEC1-Related Epidermolysis Bullosa with Pyloric Atresia; PLEC-Related Epidermolysis Bullosa with Pyloric Atresia; Epidermolysis bullosa simplex with pyloric atresia. Identifiers: Orphanet 158684, MedGen C2677349, MONDO:0012807, OMIM 612138.
Epidermolysis bullosa simplex, Ogna type (EBS5A). Also called: Pidermolysis bullosa simplex 5A, Ogna type; EPIDERMOLYSIS BULLOSA SIMPLEX 5A, OGNA TYPE. Identifiers: Orphanet 79401, MedGen C0432317, MONDO:0007555, OMIM 131950.
Autosomal recessive limb-girdle muscular dystrophy type 2Q (LGMDR17). Also called: MUSCULAR DYSTROPHY, LIMB-GIRDLE, AUTOSOMAL RECESSIVE 17. Identifiers: Orphanet 254361, MedGen C3150989, MONDO:0013390, OMIM 613723.
Epidermolysis bullosa simplex with nail dystrophy (EBS5D). Identifiers: MedGen C4225309, MONDO:0014661, OMIM 616487.

Allele frequency attached by ClinVar (database versions not stated): gnomAD exomes 0.00002.

Submission:

Labcorp Genetics (formerly Invitae), Labcorp
Classification: Uncertain significance for Autosomal recessive limb-girdle muscular dystrophy type 2Q; Epidermolysis bullosa simplex, Ogna type; Epidermolysis bullosa simplex with nail dystrophy; Epidermolysis bullosa simplex 5C, with pyloric atresia; Epidermolysis bullosa simplex 5B, with muscular dystrophy. Last evaluated: 2022-08-10. Review status: criteria provided, single submitter. Criteria: Invitae Variant Classification Sherloc (09022015). Collection method: clinical testing. Allele origin: germline.
Comment: In summary, the available evidence is currently insufficient to determine the role of this variant in disease. Therefore, it has been classified as a Variant of Uncertain Significance. Algorithms developed to predict the effect of missense changes on protein structure and function are either unavailable or do not agree on the potential impact of this missense change (SIFT: "Deleterious"; PolyPhen-2: "Not Available"; Align-GVGD: "Class C65"). ClinVar contains an entry for this variant (Variation ID: 1484522). This variant has not been reported in the literature in individuals affected with PLEC-related conditions. This variant is not present in population databases (gnomAD no frequency). This sequence change replaces isoleucine, which is neutral and non-polar, with threonine, which is neutral and polar, at codon 1019 of the PLEC protein (p.Ile1019Thr).